The following is an entry in ClinVar:

NM_000256.3(MYBPC3):c.1805C>T (p.Thr602Ile)

Gene: MYBPC3 (myosin binding protein C3; minus strand). Cytogenetic location: 11p11.2.
Variant type: single nucleotide variant.
Coding change: c.1805C>T on transcript NM_000256.3 (MANE Select); coding-DNA position 1805, C replaced by T.
Protein change: p.Thr602Ile; replaces threonine 602 with isoleucine.
Molecular consequence: missense variant.
Genome position (GRCh38, 1-based): chr11:47,341,230, G>A on the plus strand (C>T on the coding strand, the complement: MYBPC3 is on the minus strand). VCF-style: chr11-47341230-G-A. GRCh37 (hg19) VCF-style: chr11-47362781-G-A.
Other names: p.T602I:ACC>ATC; c.1805C>T, p.Thr602Ile (LRG_386t1); short protein forms T602I.
Identifiers: ClinVar variation 180950 (VCV000180950.15), dbSNP rs730880551, ClinGen allele CA011188.

ClinVar aggregate classification (germline): Conflicting classifications of pathogenicity. Review status: criteria provided, conflicting classifications (1 of 4 stars). 6 submissions from 6 submitters: Likely pathogenic (1); Uncertain significance (5). Last evaluated 2025-06-18.

Conditions:
Cardiovascular phenotype. Identifiers: MedGen CN230736.
Cardiomyopathy (CMYO). Also called: Cardiomyopathies. Identifiers: Orphanet 167848, MedGen C0878544, MONDO:0004994, HP:0001638. Inheritance: Various modes of inheritance.
Hypertrophic cardiomyopathy. Also called: HYPERTROPHIC MYOCARDIOPATHY. Identifiers: Orphanet 217569, MedGen C0007194, MeSH D002312, MONDO:0005045, HP:0001639.
Left ventricular noncompaction cardiomyopathy. Also called: left ventricular non-compaction cardiomyopathy. Identifiers: MedGen C4021133, HP:0011664.

Allele frequency attached by ClinVar (database versions not stated): gnomAD exomes below 0.00001; TOPMed below 0.00001; gnomAD 0.00001.
gnomAD v4.1: 7 of 1,589,806 alleles (0.00044%); highest among the groups gnomAD compares: South Asian, 0.0011%; no homozygotes.

Submissions (6):

Labcorp Genetics (formerly Invitae), Labcorp
Classification: Uncertain significance for Hypertrophic cardiomyopathy. Last evaluated: 2025-06-18. Review status: criteria provided, single submitter. Criteria: Invitae Variant Classification Sherloc (09022015). Collection method: clinical testing. Allele origin: germline.
Comment: This sequence change replaces threonine, which is neutral and polar, with isoleucine, which is neutral and non-polar, at codon 602 of the MYBPC3 protein (p.Thr602Ile). The frequency data for this variant in the population databases is considered unreliable, as metrics indicate poor data quality at this position in the gnomAD database. This missense change has been observed in individual(s) with hypertrophic cardiomyopathy and left ventricular noncompaction cardiomyopathy (PMID: 24793961, 31568572). ClinVar contains an entry for this variant (Variation ID: 180950). An algorithm developed to predict the effect of missense changes on protein structure and function outputs the following: PolyPhen-2: "Benign". The isoleucine amino acid residue is found in multiple mammalian species, which suggests that this missense change does not adversely affect protein function. In summary, the available evidence is currently insufficient to determine the role of this variant in disease. Therefore, it has been classified as a Variant of Uncertain Significance.

Color Diagnostics, LLC DBA Color Health
Classification: Uncertain significance for Cardiomyopathy. Last evaluated: 2024-03-29. Review status: criteria provided, single submitter. Criteria: ACMG Guidelines, 2015. Collection method: clinical testing. Allele origin: germline.
Comment: This missense variant replaces threonine with isoleucine at codon 602 of the MYBPC3 protein. Computational prediction tools indicate that this variant has a neutral impact on protein structure and function. To our knowledge, functional studies have not been reported for this variant. This variant has been reported in one individual affected with hypertrophic cardiomyopathy (PMID: 24793961) and in one individual affected with left ventricular noncompaction cardiomyopathy (PMID: 31333075, 31568572, 34540771). This variant has not been identified in the general population by the Genome Aggregation Database (gnomAD). The available evidence is insufficient to determine the role of this variant in disease conclusively. Therefore, this variant is classified as a Variant of Uncertain Significance.

GeneDx
Classification: Uncertain significance. Last evaluated: 2023-11-09. Review status: criteria provided, single submitter. Criteria: GeneDx Variant Classification Process June 2021. Collection method: clinical testing. Allele origin: germline. Affected: yes.
Comment: Identified in patients with HCM or LVNC in published literature (PMID: 34540771, 24793961, 31568572, 31333075); Not observed at significant frequency in large population cohorts (gnomAD); In silico analysis supports that this missense variant does not alter protein structure/function; This variant is associated with the following publications: (PMID: 31589614, 31568572, 31333075, 36264615, 24793961, 34611884, 34540771)

Ambry Genetics
Classification: Uncertain significance for Cardiovascular phenotype. Last evaluated: 2023-07-11. Review status: criteria provided, single submitter. Criteria: Ambry Variant Classification Scheme 2023. Collection method: clinical testing. Allele origin: germline.
Comment: The p.T602I variant (also known as c.1805C>T), located in coding exon 19 of the MYBPC3 gene, results from a C to T substitution at nucleotide position 1805. The threonine at codon 602 is replaced by isoleucine, an amino acid with similar properties. This variant was reported in a hypertrophic cardiomyopathy (HCM) cohort; however clinical details were limited (Bos JM et al. Mayo Clin. Proc., 2014 Jun;89:727-37). This variant was also reported in an individual with left ventricular non-compaction (LVNC), who had an additional MYH7 variant detected; This amino acid position is well conserved in available vertebrate species. In addition, this alteration is predicted to be tolerated by in silico analysis. Since supporting evidence is limited at this time, the clinical significance of this alteration remains unclear.

AiLife Diagnostics
Classification: Uncertain significance. Last evaluated: 2022-02-21. Review status: criteria provided, single submitter. Criteria: ACMG Guidelines, 2015. Collection method: clinical testing. Allele origin: germline. Affected: yes. Observed: 2 variant alleles.

Klaassen Lab, Charite University Medicine Berlin
Classification: Likely pathogenic for Left ventricular noncompaction cardiomyopathy. Review status: criteria provided, single submitter. Criteria: ACMG Guidelines, 2015. Collection method: research. Allele origin: germline. Affected: yes.

Literature cited by the submitters: PubMed 24793961 (cited by 4 submitters); PubMed 31568572 (cited by 5 submitters); PubMed 31333075 (cited by 3 submitters); PubMed 34540771 (cited by 3 submitters).